The following is an entry in ClinVar:

NM_005629.4(SLC6A8):c.541T>C (p.Cys181Arg)

Gene: SLC6A8 (solute carrier family 6 member 8; plus strand). Cytogenetic location: Xq28.
Variant type: single nucleotide variant.
Coding change: c.541T>C on transcript NM_005629.4 (MANE Select); coding-DNA position 541, T replaced by C.
Protein change: p.Cys181Arg; replaces cysteine 181 with arginine.
Molecular consequence: missense variant.
Genome position (GRCh38, 1-based): chrX:153,691,450, T>C. VCF-style: chrX-153691450-T-C. GRCh37 (hg19) VCF-style: chrX-152956905-T-C.
Other names: NM_001142805.2:c.541T>C; c.541T>C, p.Cys181Arg (NM_001142805.2); c.196T>C, p.Cys66Arg (NM_001142806.1); short protein forms C181R, C66R.
Identifiers: ClinVar variation 3256154 (VCV003256154.1).

ClinVar aggregate classification (germline): Likely pathogenic (3 of 4 stars; one submission).

Conditions:
Creatine transporter deficiency (CCDS1). Also called: CEREBRAL CREATINE DEFICIENCY SYNDROME 1; Mental retardation , X-linked with seizures, short stature and midface hypoplasia; Mental retardation , X-linked, with creatine transport deficiency; X-linked creatine transporter deficiency; X-linked creatine deficiency syndrome; SLC6A8-Related Creatine Transporter Deficiency. Identifiers: Orphanet 52503, MedGen C1845862, MONDO:0010305, OMIM 300352.

Submission:

ClinGen Cerebral Creatine Deficiency Syndromes Variant Curation Expert Panel, ClinGen
Classification: Likely pathogenic for Creatine transporter deficiency. Last evaluated: 2024-04-11. Review status: reviewed by expert panel. Criteria: ClinGen_CCDS_ACMG_Specifications_SLC6A8_v1.1. Collection method: curation. Allele origin: germline. Inheritance: X-linked inheritance.
Comment: The NM_005629.4:c.541T>C variant in SLC6A8 is a missense variant that is predicted to result in the substitution of a cysteine for an arginine at amino acid 181 (p.Cys181Arg). This variant was reported to result in undetectable creatine transport activity when expressed in SLC6A8 deficient fibroblasts. A creatine concentration of 25uM was used, meeting the requirement for the assay to be carried out with less than or equal to 125uM creatine (PMID: 22281021, 23644449) (PS3_Supporting). The variant is absent in gnomAD v2.1.1. (PM2_Supporting). The computational predictor REVEL gives a score of 0.884 which is above the threshold of 0.75, evidence that correlates with impact to SLC6A8 function (PP3). There is no ClinVar entry for this variant. In summary, this variant meets criteria to be classified as likely pathogenic for creatine transporter deficiency. SLC6A8-specific criteria applied, as specified by the ClinGen CCDS VCEP (Specifications Version 1.1.0): PS3_Supporting, PM2_Supporting, PP3, PP4_Strong. (Classification approved by the ClinGen CCDS VCEP on April 11, 2024)